The following is an entry in ClinVar:

ClinVar aggregate classification (germline): Uncertain significance (1 of 4 stars; one submission).

Conditions:
Early-infantile DEE. Also called: Early infantile epileptic encephalopathy with suppression bursts; Early infantile epileptic encephalopathy; Ohtahara syndrome. Identifiers: Orphanet 1934, MedGen C0393706, MONDO:0800491.

Submission:

Labcorp Genetics (formerly Invitae), Labcorp
Classification: Uncertain significance for Early-infantile DEE. Last evaluated: 2025-02-26. Review status: criteria provided, single submitter. Criteria: Invitae Variant Classification Sherloc (09022015). Collection method: clinical testing. Allele origin: germline.
Comment: This sequence change replaces methionine, which is neutral and non-polar, with valine, which is neutral and non-polar, at codon 1530 of the SCN8A protein (p.Met1530Val). This variant is not present in population databases (gnomAD no frequency). This variant has not been reported in the literature in individuals affected with SCN8A-related conditions. Invitae Evidence Modeling of protein sequence and biophysical properties (such as structural, functional, and spatial information, amino acid conservation, physicochemical variation, residue mobility, and thermodynamic stability) indicates that this missense variant is not expected to disrupt SCN8A protein function with a negative predictive value of 95%. In summary, the available evidence is currently insufficient to determine the role of this variant in disease. Therefore, it has been classified as a Variant of Uncertain Significance.

NM_001330260.2(SCN8A):c.4588A>G (p.Met1530Val)

Gene: SCN8A (sodium voltage-gated channel alpha subunit 8; plus strand). Cytogenetic location: 12q13.13.
Variant type: single nucleotide variant.
Coding change: c.4588A>G on transcript NM_001330260.2 (MANE Select); coding-DNA position 4588, A replaced by G.
Protein change: p.Met1530Val; replaces methionine 1530 with valine.
Molecular consequence: missense variant.
Genome position (GRCh38, 1-based): chr12:51,794,434, A>G. VCF-style: chr12-51794434-A-G. GRCh37 (hg19) VCF-style: chr12-52188218-A-G.
Other names: c.4465A>G, p.Met1489Val (NM_001177984.3, NM_001369788.1); c.4588A>G, p.Met1530Val (NM_014191.4); short protein forms M1489V, M1530V.
Identifiers: ClinVar variation 4801285 (VCV004801285.1).